The following is an entry in ClinVar:

ClinVar aggregate classification (germline): Benign/Likely benign. Review status: criteria provided, multiple submitters, no conflicts (2 of 4 stars). 5 submissions from 5 submitters: Benign (3); Likely benign (2). Last evaluated 2026-01-12.

Conditions:
Neonatal diabetes mellitus with congenital hypothyroidism. Also called: NDH SYNDROME. Identifiers: Orphanet 79118, MedGen C1857775, MONDO:0012436, OMIM 610199.

Allele frequency attached by ClinVar (database versions not stated): 1000 Genomes Project 30x 0.00016; gnomAD 0.00022; TOPMed 0.00045.
gnomAD v4.1: 439 of 1,557,876 alleles (0.028%); highest among the groups gnomAD compares: Admixed American, 0.78%; 2 homozygotes.

Submissions (5):

Labcorp Genetics (formerly Invitae), Labcorp
Classification: Benign. Last evaluated: 2026-01-12. Review status: criteria provided, single submitter. Criteria: Invitae Variant Classification Sherloc (09022015). Collection method: clinical testing. Allele origin: germline.

Blueprint Genetics
Classification: Likely benign. Last evaluated: 2024-11-04. Review status: criteria provided, single submitter. Criteria: ACMG Guidelines, 2015. Collection method: clinical testing. Allele origin: germline.

Fulgent Genetics
Classification: Likely benign for Neonatal diabetes mellitus with congenital hypothyroidism. Last evaluated: 2021-10-06. Review status: criteria provided, single submitter. Criteria: ACMG Guidelines, 2015. Collection method: clinical testing. Allele origin: unknown.

Illumina Laboratory Services, Illumina
Classification: Benign for Neonatal diabetes mellitus with congenital hypothyroidism. Last evaluated: 2018-01-12. Review status: criteria provided, single submitter. Criteria: ICSL Variant Classification Criteria 13 December 2019. Collection method: clinical testing. Allele origin: germline.
Comment: This variant was observed in the ICSL laboratory as part of a predisposition screen in an ostensibly healthy population. It had not been previously curated by ICSL or reported in the Human Gene Mutation Database (HGMD: prior to June 1st, 2018), and was therefore a candidate for classification through an automated scoring system. Utilizing variant allele frequency, disease prevalence and penetrance estimates, and inheritance mode, an automated score was calculated to assess if this variant is too frequent to cause the disease. Based on the score and internal cut-off values, a variant classified as benign is not then subjected to further curation. The score for this variant resulted in a classification of benign for this disease.

Breakthrough Genomics
Classification: Benign. Review status: criteria provided, single submitter. Criteria: ACMG Guidelines, 2015. Collection method: not provided. Allele origin: germline. Inheritance: Autosomal recessive inheritance. Affected: yes.

NM_001042413.2(GLIS3):c.1327C>T (p.Leu443=)

Gene: GLIS3 (GLIS family zinc finger 3; minus strand). Cytogenetic location: 9p24.2.
Variant type: single nucleotide variant.
Coding change: c.1327C>T on transcript NM_001042413.2 (MANE Select); coding-DNA position 1327, C replaced by T.
Protein change: p.Leu443=; no amino-acid change (leucine 443 retained).
Molecular consequence: synonymous variant.
Genome position (GRCh38, 1-based): chr9:4,118,151, G>A on the plus strand (C>T on the coding strand, the complement: GLIS3 is on the minus strand). VCF-style: chr9-4118151-G-A. GRCh37 (hg19) VCF-style: chr9-4118151-G-A.
Other names: c.862C>T, p.Leu288= (NM_152629.4).
Identifiers: ClinVar variation 366980 (VCV000366980.17), dbSNP rs529418802, ClinGen allele CA4968234.